The following is an entry in ClinVar:

ClinVar aggregate classification (germline): Uncertain significance (1 of 4 stars; one submission).

Submission:

Labcorp Genetics (formerly Invitae), Labcorp
Classification: Uncertain significance. Last evaluated: 2025-12-17. Review status: criteria provided, single submitter. Criteria: Invitae Variant Classification Sherloc (09022015). Collection method: clinical testing. Allele origin: germline.
Comment: This sequence change falls in intron 19 of the LZTR1 gene. It does not directly change the encoded amino acid sequence of the LZTR1 protein. It affects a nucleotide within the consensus splice site. This variant is not present in population databases (gnomAD no frequency). This variant has not been reported in the literature in individuals affected with LZTR1-related conditions. Variants that disrupt the consensus splice site are a relatively common cause of aberrant splicing (PMID: 17576681, 9536098). Algorithms developed to predict the effect of sequence changes on RNA splicing suggest that this variant may disrupt the consensus splice site. In summary, the available evidence is currently insufficient to determine the role of this variant in disease. Therefore, it has been classified as a Variant of Uncertain Significance.

Literature cited by the submitters: PubMed 17576681; PubMed 9536098.

NM_006767.4(LZTR1):c.2325+3A>C

Gene: LZTR1 (leucine zipper like post translational regulator 1; plus strand). Cytogenetic location: 22q11.21.
Variant type: single nucleotide variant.
Coding change: c.2325+3A>C on transcript NM_006767.4 (MANE Select); 3 bases into the intron after coding-DNA position 2325, A replaced by C.
Molecular consequence: intron variant.
Genome position (GRCh38, 1-based): chr22:20,996,804, A>C. VCF-style: chr22-20996804-A-C. GRCh37 (hg19) VCF-style: chr22-21351093-A-C.
Identifiers: ClinVar variation 4733484 (VCV004733484.1).